The following is an entry in ClinVar:

ClinVar aggregate classification (germline): Uncertain significance (1 of 4 stars; one submission).

gnomAD v4.1: 1 of 1,606,436 alleles (0.000062%); highest among the groups gnomAD compares: Admixed American, 0.0017%; no homozygotes.

Submission:

ARUP Laboratories, Molecular Genetics and Genomics, ARUP Laboratories
Classification: Uncertain significance. Last evaluated: 2025-02-14. Review status: criteria provided, single submitter. Criteria: ARUP Molecular Germline Variant Investigation Process 2024. Collection method: clinical testing. Allele origin: germline.
Comment: The DNAH1 c.5518G>T; p.Gly1840Cys variant (rs1007824439), to our knowledge, is not reported in the medical literature or gene specific databases. This variant is also absent from the Genome Aggregation Database (v2.1.1), indicating it is not a common polymorphism. Computational analyses are uncertain whether this variant is neutral or deleterious (REVEL: 0.278). This variant affects the last base of exon 34, and computational analyses (Alamut Visual Plus v.1.12) predict that this variant may impact splicing by weakening the nearby canonical donor splice site. However, given the lack of clinical and functional data, the significance of this variant is uncertain at this time.

NM_015512.5(DNAH1):c.5518G>T (p.Gly1840Cys)

Gene: DNAH1 (dynein axonemal heavy chain 1; plus strand). Cytogenetic location: 3p21.1.
Variant type: single nucleotide variant.
Coding change: c.5518G>T on transcript NM_015512.5 (MANE Select); coding-DNA position 5518, G replaced by T.
Protein change: p.Gly1840Cys; replaces glycine 1840 with cysteine.
Molecular consequence: missense variant.
Genome position (GRCh38, 1-based): chr3:52,365,019, G>T. VCF-style: chr3-52365019-G-T. GRCh37 (hg19) VCF-style: chr3-52399035-G-T.
Other names: short protein forms G1840C.
Identifiers: ClinVar variation 4685619 (VCV004685619.1).